The following is an entry in ClinVar:

ClinVar aggregate classification (germline): Uncertain significance (1 of 4 stars; one submission).

Allele frequency attached by ClinVar (database versions not stated): gnomAD exomes below 0.00001; TOPMed below 0.00001; ExAC 0.00001.
gnomAD v4.1: 4 of 1,613,846 alleles (0.00025%); highest among the groups gnomAD compares: Non-Finnish European, 0.00034%; no homozygotes.

Submission:

Ambry Genetics
Classification: Uncertain significance. Last evaluated: 2023-12-01. Review status: criteria provided, single submitter. Criteria: Ambry Variant Classification Scheme 2023. Collection method: clinical testing. Allele origin: germline.
Comment: The p.T376K variant (also known as c.1127C>A), located in coding exon 5 of the MNDA gene, results from a C to A substitution at nucleotide position 1127. The threonine at codon 376 is replaced by lysine, an amino acid with similar properties. This amino acid position is conserved. In addition, this alteration is predicted to be tolerated by in silico analysis. Since supporting evidence is limited at this time, the clinical significance of this alteration remains unclear.

NM_002432.3(MNDA):c.1127C>A (p.Thr376Lys)

Gene: MNDA (myeloid cell nuclear differentiation antigen; plus strand). Cytogenetic location: 1q23.1.
Variant type: single nucleotide variant.
Coding change: c.1127C>A on transcript NM_002432.3 (MANE Select); coding-DNA position 1127, C replaced by A.
Protein change: p.Thr376Lys; replaces threonine 376 with lysine.
Molecular consequence: missense variant.
Genome position (GRCh38, 1-based): chr1:158,847,867, C>A. VCF-style: chr1-158847867-C-A. GRCh37 (hg19) VCF-style: chr1-158817657-C-A.
Other names: short protein forms T376K.
Identifiers: ClinVar variation 1799352 (VCV001799352.2), dbSNP rs200310775, ClinGen allele CA1185805.